The following is an entry in ClinVar:

NM_015338.6(ASXL1):c.263T>C (p.Leu88Pro)

Gene: ASXL1 (ASXL transcriptional regulator 1; plus strand). Cytogenetic location: 20q11.21.
Variant type: single nucleotide variant.
Coding change: c.263T>C on transcript NM_015338.6 (MANE Select); coding-DNA position 263, T replaced by C.
Protein change: p.Leu88Pro; replaces leucine 88 with proline.
Molecular consequence: missense variant.
Genome position (GRCh38, 1-based): chr20:32,428,138, T>C. VCF-style: chr20-32428138-T-C. GRCh37 (hg19) VCF-style: chr20-31015941-T-C.
Other names: c.233T>C, p.Leu78Pro (NM_001363734.1); short protein forms L78P, L88P.
Identifiers: ClinVar variation 4588216 (VCV004588216.1).
Genomic context (GRCh38, chr20:32,428,138, plus strand): 5'-TTAAGAATTTGTAGGGTTTTGTTCACCTGAGTTGTACCTTGCTGTCACAGAAGGATGCCC[T>C]GCAGTGGTCTCGCCATCCAGCTACAGTGGAGGGAGAGGAGCCAGAGGACACGGCTGATGT-3'
Protein context (NP_056153.2, residues 78-98): ISLFTLKKDA[Leu88Pro]QWSRHPATVE

ClinVar aggregate classification (germline): Uncertain significance (1 of 4 stars; one submission).

Conditions:
Inborn genetic diseases. Identifiers: MedGen C0950123, MeSH D030342.

Submission:

Ambry Genetics
Classification: Uncertain significance for Inborn genetic diseases. Last evaluated: 2025-10-30. Review status: criteria provided, single submitter. Criteria: Ambry Variant Classification Scheme 2023. Collection method: clinical testing. Allele origin: germline.
Comment: The p.L88P variant (also known as c.263T>C), located in coding exon 5 of the ASXL1 gene, results from a T to C substitution at nucleotide position 263. The leucine at codon 88 is replaced by proline, an amino acid with similar properties. This amino acid position is conserved. In addition, this alteration is predicted to be tolerated by in silico analysis. Based on the available evidence, the clinical significance of this variant remains unclear.